The following is an entry in ClinVar:

ClinVar aggregate classification (germline): Uncertain significance (1 of 4 stars; one submission).

Conditions:
DOCK2 deficiency. Also called: Immunodeficiency 40. Identifiers: Orphanet 447737, MedGen C4225328, MONDO:0014637, OMIM 616433.

Allele frequency attached by ClinVar (database versions not stated): TOPMed below 0.00001; gnomAD 0.00001; gnomAD exomes 0.00001.
gnomAD v4.1: 17 of 1,613,430 alleles (0.0011%); highest among the groups gnomAD compares: Non-Finnish European, 0.0013%; no homozygotes.

Submission:

Labcorp Genetics (formerly Invitae), Labcorp
Classification: Uncertain significance for DOCK2 deficiency. Last evaluated: 2025-02-25. Review status: criteria provided, single submitter. Criteria: Invitae Variant Classification Sherloc (09022015). Collection method: clinical testing. Allele origin: germline.
Comment: This sequence change replaces arginine, which is basic and polar, with tryptophan, which is neutral and slightly polar, at codon 1601 of the DOCK2 protein (p.Arg1601Trp). This variant is present in population databases (no rsID available, gnomAD 0.007%). This variant has not been reported in the literature in individuals affected with DOCK2-related conditions. ClinVar contains an entry for this variant (Variation ID: 963036). An algorithm developed to predict the effect of missense changes on protein structure and function (PolyPhen-2) suggests that this variant is likely to be disruptive. In summary, the available evidence is currently insufficient to determine the role of this variant in disease. Therefore, it has been classified as a Variant of Uncertain Significance.

NM_004946.3(DOCK2):c.4801C>T (p.Arg1601Trp)

Gene: DOCK2 (dedicator of cytokinesis 2; plus strand). Cytogenetic location: 5q35.1.
Variant type: single nucleotide variant.
Coding change: c.4801C>T on transcript NM_004946.3 (MANE Select); coding-DNA position 4801, C replaced by T.
Protein change: p.Arg1601Trp; replaces arginine 1601 with tryptophan.
Molecular consequence: missense variant. On other transcripts: non-coding transcript variant (1).
Genome position (GRCh38, 1-based): chr5:170,076,019, C>T. VCF-style: chr5-170076019-C-T. GRCh37 (hg19) VCF-style: chr5-169503023-C-T.
Other names: short protein forms R1601W.
Identifiers: ClinVar variation 963036 (VCV000963036.7), dbSNP rs1331646797, ClinGen allele CA362115162.